The following is an entry in ClinVar:

ClinVar aggregate classification (germline): Uncertain significance (1 of 4 stars; one submission).

Conditions:
Tooth agenesis, selective, 4 (STHAG4). Also called: SUCCEDANEOUS TEETH, AGENESIS OF; TOOTH AGENESIS, SELECTIVE, 4, WITH OR WITHOUT ECTODERMAL DYSPLASIA; LATERAL INCISORS, ABSENCE OF; LATERAL INCISORS, PEGGED OR MISSING. Identifiers: Orphanet 99798, MedGen C1835492, MONDO:0007881, OMIM 150400. Disease mechanism: loss of function.
Odonto-onycho-dermal dysplasia. Identifiers: Orphanet 2721, MedGen C0796093, MONDO:0009773, OMIM 257980.

Allele frequency attached by ClinVar (database versions not stated): gnomAD 0.00001; gnomAD exomes 0.00001; TOPMed 0.00001.
gnomAD v4.1: 14 of 1,576,392 alleles (0.00089%); highest among the groups gnomAD compares: Non-Finnish European, 0.0012%; no homozygotes.

Submission:

Labcorp Genetics (formerly Invitae), Labcorp
Classification: Uncertain significance for Tooth agenesis, selective, 4; Odonto-onycho-dermal dysplasia. Last evaluated: 2021-09-01. Review status: criteria provided, single submitter. Criteria: Invitae Variant Classification Sherloc (09022015). Collection method: clinical testing. Allele origin: germline.
Comment: This sequence change replaces serine with cysteine at codon 3 of the WNT10A protein (p.Ser3Cys). The serine residue is moderately conserved and there is a moderate physicochemical difference between serine and cysteine. The frequency data for this variant in the population databases is considered unreliable, as metrics indicate insufficient coverage at this position in the ExAC database. This variant has not been reported in the literature in individuals affected with WNT10A-related conditions. In summary, the available evidence is currently insufficient to determine the role of this variant in disease. Therefore, it has been classified as a Variant of Uncertain Significance.

NM_025216.3(WNT10A):c.7A>T (p.Ser3Cys)

Gene: WNT10A (Wnt family member 10A; plus strand). Cytogenetic location: 2q35.
Variant type: single nucleotide variant.
Coding change: c.7A>T on transcript NM_025216.3 (MANE Select); coding-DNA position 7, A replaced by T.
Protein change: p.Ser3Cys; replaces serine 3 with cysteine.
Molecular consequence: missense variant.
Genome position (GRCh38, 1-based): chr2:218,881,002, A>T. VCF-style: chr2-218881002-A-T. GRCh37 (hg19) VCF-style: chr2-219745724-A-T.
Other names: short protein forms S3C.
Identifiers: ClinVar variation 1496269 (VCV001496269.5), dbSNP rs1324234734, ClinGen allele CA350616736.